The following is an entry in ClinVar:

NM_001368894.2(PAX6):c.42_45dup (p.Val16fs)

Gene: PAX6 (paired box 6; minus strand). Cytogenetic location: 11p13.
Variant type: Duplication.
Coding change: c.42_45dup on transcript NM_001368894.2 (MANE Select); coding-DNA positions 42 to 45, 4 bases duplicated (CTTT; older notation c.42_45dupCTTT).
Protein change: p.Val16fs; shifts the reading frame from valine 16.
Molecular consequence: frameshift variant. On other transcripts: 5 prime UTR variant (12), non-coding transcript variant (2), intron variant (2).
Genome position (GRCh38, 1-based): chr11:31,802,800-31,802,803, AAAG duplicated on the plus strand (CTTT on the coding strand, the reverse complement: PAX6 is on the minus strand); duplicating any 4 consecutive bases within chr11:31,802,800-31,802,804 gives the same sequence; the c. name uses the placement nearest the transcript's 3' end. VCF-style (leftmost placement, unchanged base first): chr11-31802799-C-CAAAG. GRCh37 (hg19) VCF-style: chr11-31824347-C-CAAAG.
Other names: c.42_45dup, p.Val16fs (NM_001258462.3, NM_001258463.2, NM_001258464.2 and 30 more transcripts); c.-740_-737dup (NM_001310160.2, NM_001368905.2); c.-409_-406dup (NM_001310161.3, NM_001368900.2, NM_001368903.2 and 2 more transcripts); c.-367_-364dup (NM_001368899.2, NM_001368901.2, NM_001368906.2 and 1 more transcripts); c.-698_-695dup (NM_001368902.2); c.285_288dup, p.Val97fs (NM_001368910.2); c.45_48dup, p.Val17fs (NM_001368911.2); c.-267-1027_-267-1024dup (NM_001368909.2, NM_001368904.2); short protein forms V16fs, V97fs, V17fs.
Identifiers: ClinVar variation 4784471 (VCV004784471.1).

ClinVar aggregate classification (germline): Pathogenic (1 of 4 stars; one submission).

Conditions:
Aniridia 1 (AN1). Identifiers: Orphanet 250923, MedGen C0344542, MONDO:0024507, OMIM 106210.
Irido-corneo-trabecular dysgenesis (ASGD5). Also called: ANTERIOR SEGMENT DYSGENESIS 5. Identifiers: Orphanet 708, MedGen C0344559, MONDO:0011414, OMIM 604229, HP:0000659.

Submission:

Labcorp Genetics (formerly Invitae), Labcorp
Classification: Pathogenic for Aniridia 1; Irido-corneo-trabecular dysgenesis. Last evaluated: 2025-03-18. Review status: criteria provided, single submitter. Criteria: Invitae Variant Classification Sherloc (09022015). Collection method: clinical testing. Allele origin: germline.
Comment: This sequence change creates a premature translational stop signal (p.Val16Leufs*41) in the PAX6 gene. It is expected to result in an absent or disrupted protein product. Loss-of-function variants in PAX6 are known to be pathogenic (PMID: 12634864). This variant is not present in population databases (gnomAD no frequency). This variant has not been reported in the literature in individuals affected with PAX6-related conditions. For these reasons, this variant has been classified as Pathogenic.

Literature cited by the submitters: PubMed 12634864.